The following is an entry in ClinVar:

NM_198428.3(BBS9):c.2215G>A (p.Ala739Thr)

Gene: BBS9 (Bardet-Biedl syndrome 9; plus strand). Cytogenetic location: 7p14.3.
Variant type: single nucleotide variant.
Coding change: c.2215G>A on transcript NM_198428.3 (MANE Select); coding-DNA position 2215, G replaced by A.
Protein change: p.Ala739Thr; replaces alanine 739 with threonine.
Molecular consequence: missense variant. On other transcripts: non-coding transcript variant (3), intron variant (1).
Genome position (GRCh38, 1-based): chr7:33,505,562, G>A. VCF-style: chr7-33505562-G-A. GRCh37 (hg19) VCF-style: chr7-33545174-G-A.
Other names: c.2110G>A, p.Ala704Thr (NM_001033604.2); c.2200G>A, p.Ala734Thr (NM_001033605.2); c.2215G>A, p.Ala739Thr (NM_001348036.1, NM_001348041.4, NM_001348043.3 and 1 more transcripts); c.1942G>A, p.Ala648Thr (NM_001348038.3); c.1837G>A, p.Ala613Thr (NM_001348039.3); c.2095G>A, p.Ala699Thr (NM_001348040.3, NM_014451.4); c.2080G>A, p.Ala694Thr (NM_001348042.3); c.1744G>A, p.Ala582Thr (NM_001348044.3); and 3 more; short protein forms A613T, A617T, A699T, A704T, A734T, A648T, A694T, A739T.
Identifiers: ClinVar variation 1045334 (VCV001045334.7), dbSNP rs369881355, ClinGen allele CA4214628.
Genomic context (GRCh38, chr7:33,505,562, plus strand): 5'-AATCTGTTCCAGTCATTCACCAGGCTGAAGAGTGCCACCCATTTGGTGATTCTGCTGATC[G>A]CGCTGTGGCAGAAGCTTAGTGCTGACCAGGTTGCTATTCTGGAAGCGGCATTTCTGCCGC-3'
Protein context (NP_940820.1, residues 729-749): SATHLVILLI[Ala739Thr]LWQKLSADQV

ClinVar aggregate classification (germline): Uncertain significance. Review status: criteria provided, single submitter (1 of 4 stars). 2 submissions from 2 submitters: Uncertain significance (1). 1 of the submissions does not count toward it. Last evaluated 2022-05-16.

Conditions:
Bardet-Biedl syndrome (BBS). Identifiers: Orphanet 110, MedGen C0752166, MONDO:0015229.
BBS9-related disorder. Also called: BBS9-related condition.

Allele frequency attached by ClinVar (database versions not stated): ExAC 0.00002; gnomAD exomes 0.00002 and 0.00003; gnomAD 0.00003 and 0.00004; TOPMed 0.00004; ESP Exome Variant Server 0.00008.
gnomAD v4.1: 33 of 1,613,994 alleles (0.002%); highest among the groups gnomAD compares: African/African-American, 0.004%; no homozygotes.

Submissions (2):

Labcorp Genetics (formerly Invitae), Labcorp
Classification: Uncertain significance for Bardet-Biedl syndrome. Last evaluated: 2022-05-16. Review status: criteria provided, single submitter. Criteria: Invitae Variant Classification Sherloc (09022015). Collection method: clinical testing. Allele origin: germline.
Comment: This sequence change replaces alanine, which is neutral and non-polar, with threonine, which is neutral and polar, at codon 739 of the BBS9 protein (p.Ala739Thr). This variant is present in population databases (rs369881355, gnomAD 0.01%). This variant has not been reported in the literature in individuals affected with BBS9-related conditions. ClinVar contains an entry for this variant (Variation ID: 1045334). Algorithms developed to predict the effect of missense changes on protein structure and function (SIFT, PolyPhen-2, Align-GVGD) all suggest that this variant is likely to be tolerated. In summary, the available evidence is currently insufficient to determine the role of this variant in disease. Therefore, it has been classified as a Variant of Uncertain Significance.

PreventionGenetics, part of Exact Sciences
Classification: Uncertain significance for BBS9-related condition. Last evaluated: 2023-12-13. Review status: no assertion criteria provided. Collection method: clinical testing. Allele origin: germline. Not counted in ClinVar's aggregate classification.
Comment: The BBS9 c.2215G>A variant is predicted to result in the amino acid substitution p.Ala739Thr. To our knowledge, this variant has not been reported in the literature. This variant is reported in 0.012% of alleles in individuals of African descent in gnomAD. At this time, the clinical significance of this variant is uncertain due to the absence of conclusive functional and genetic evidence.